The following is an entry in ClinVar:

ClinVar aggregate classification (germline): Uncertain significance. Review status: criteria provided, multiple submitters, no conflicts (2 of 4 stars). 2 submissions from 2 submitters: Uncertain significance (2). Last evaluated 2025-09-04.

Conditions:
Episodic ataxia type 2 (EA2). Also called: CEREBELLAR ATAXIA, PAROXYSMAL, ACETAZOLAMIDE-RESPONSIVE; CEREBELLOPATHY, HEREDITARY PAROXYSMAL; EPISODIC ATAXIA, NYSTAGMUS-ASSOCIATED; ACETAZOLAMIDE-RESPONSIVE HEREDITARY PAROXYSMAL CEREBELLAR ATAXIA; ATAXIA, EPISODIC, WITH NYSTAGMUS; ATAXIA, FAMILIAL PAROXYSMAL. Identifiers: Orphanet 97, MedGen C1720416, MONDO:0007163, OMIM 108500.
Developmental and epileptic encephalopathy, 42 (DEE42A). Also called: Epileptic encephalopathy, early infantile, 42; DEVELOPMENTAL AND EPILEPTIC ENCEPHALOPATHY 42A; EPILEPTIC ENCEPHALOPATHY, EARLY INFANTILE, 42A. Identifiers: MedGen C4310716, MONDO:0014917, OMIM 617106.

Submissions (2):

GeneDx
Classification: Uncertain significance. Last evaluated: 2025-09-04. Review status: criteria provided, single submitter. Criteria: GeneDx Variant Classification Process June 2021. Collection method: clinical testing. Allele origin: germline. Affected: yes.
Comment: Not observed at significant frequency in large population cohorts (gnomAD); Has not been previously published as pathogenic or benign to our knowledge; In silico analysis is inconclusive as to whether the variant alters gene splicing. In the absence of RNA/functional studies, the actual effect of this sequence change is unknown.

Labcorp Genetics (formerly Invitae), Labcorp
Classification: Uncertain significance for Developmental and epileptic encephalopathy, 42; Episodic ataxia type 2. Last evaluated: 2024-01-09. Review status: criteria provided, single submitter. Criteria: Invitae Variant Classification Sherloc (09022015). Collection method: clinical testing. Allele origin: germline.
Comment: This sequence change falls in intron 2 of the CACNA1A gene. It does not directly change the encoded amino acid sequence of the CACNA1A protein. It affects a nucleotide within the consensus splice site. This variant is not present in population databases (gnomAD no frequency). This variant has not been reported in the literature in individuals affected with CACNA1A-related conditions. Variants that disrupt the consensus splice site are a relatively common cause of aberrant splicing (PMID: 17576681, 9536098). Algorithms developed to predict the effect of sequence changes on RNA splicing suggest that this variant may disrupt the consensus splice site. In summary, the available evidence is currently insufficient to determine the role of this variant in disease. Therefore, it has been classified as a Variant of Uncertain Significance.

Literature cited by the submitters: PubMed 17576681 (cited by Labcorp Genetics (formerly Invitae), Labcorp); PubMed 9536098 (cited by Labcorp Genetics (formerly Invitae), Labcorp).

NM_001127222.2(CACNA1A):c.399+4A>G

Gene: CACNA1A (calcium voltage-gated channel subunit alpha1 A; minus strand). Cytogenetic location: 19p13.13.
Variant type: single nucleotide variant.
Coding change: c.399+4A>G on transcript NM_001127222.2 (MANE Select); 4 bases into the intron after coding-DNA position 399, A replaced by G.
Molecular consequence: intron variant.
Genome position (GRCh38, 1-based): chr19:13,455,103, T>C on the plus strand (A>G on the coding strand, the complement: CACNA1A is on the minus strand). VCF-style: chr19-13455103-T-C. GRCh37 (hg19) VCF-style: chr19-13565917-T-C.
Other names: c.399+4A>G (NM_001127221.2, NM_001174080.2, NM_000068.4 and 1 more transcripts).
Identifiers: ClinVar variation 2933871 (VCV002933871.5), dbSNP rs1599294111, ClinGen allele CA2323899148.
Genomic context (GRCh38, chr19:13,455,103, plus strand): 5'-CTCCCCCAAAAATTAATGTCCTGCTAAAGCCAAGGAGAAGACCCTGAGAAAAGACATCAC[T>C]CACCAGCCGTTCAGACATCGGGGTCTTGTCATCATCAGGCAGATGCTGCTCCAGTGCGAG-3'